The following is an entry in ClinVar:

NM_031471.6(FERMT3):c.1545+5C>T

Gene: FERMT3 (FERM domain containing kindlin 3; plus strand). Cytogenetic location: 11q13.1.
Variant type: single nucleotide variant.
Coding change: c.1545+5C>T on transcript NM_031471.6 (MANE Select); 5 bases into the intron after coding-DNA position 1545, C replaced by T.
Molecular consequence: intron variant.
Genome position (GRCh38, 1-based): chr11:64,220,674, C>T. VCF-style: chr11-64220674-C-T. GRCh37 (hg19) VCF-style: chr11-63988146-C-T.
Other names: c.1545+5C>T (NM_001382448.1, NM_001382361.1); c.1557+5C>T (NM_178443.3, NM_001382362.1); c.1017+5C>T (NM_001382364.1); c.1005+5C>T (NM_001382363.1).
Identifiers: ClinVar variation 1369819 (VCV001369819.3), dbSNP rs755201201, ClinGen allele CA6069195.
Genomic context (GRCh38, chr11:64,220,674, plus strand): 5'-TCAACCCCTACGGCCTCGTTGCCCCCCGTTTCCAGCGAAAGTTCAAGGCCAAGCAGGTAC[C>T]AGAAGGCGTCAGGGTGGGAATGAGCATAGTGTTTACCCAGAGACCTCTGACCCCTGGGTC-3'

ClinVar aggregate classification (germline): Uncertain significance (1 of 4 stars; one submission).

Conditions:
Leukocyte adhesion deficiency 3. Also called: Leukocyte adhesion deficiency, type III; INTEGRIN ACTIVATION DEFICIENCY DISEASE; LEUKOCYTE ADHESION DEFICIENCY 1 VARIANT. Identifiers: Orphanet 2968, Orphanet 99844, MedGen C2748536, MONDO:0013016, OMIM 612840.

Allele frequency attached by ClinVar (database versions not stated): ExAC 0.00001; gnomAD exomes 0.00001; TOPMed 0.00002; gnomAD 0.00003.

Submission:

Labcorp Genetics (formerly Invitae), Labcorp
Classification: Uncertain significance for Leukocyte adhesion deficiency 3. Last evaluated: 2021-02-03. Review status: criteria provided, single submitter. Criteria: Invitae Variant Classification Sherloc (09022015). Collection method: clinical testing. Allele origin: germline.
Comment: This sequence change falls in intron 12 of the FERMT3 gene. It does not directly change the encoded amino acid sequence of the FERMT3 protein. It affects a nucleotide within the consensus splice site of the intron. The frequency data for this variant in the population databases is considered unreliable, as metrics indicate poor data quality at this position in the ExAC database. This variant has not been reported in the literature in individuals with FERMT3-related conditions. Nucleotide substitutions within the consensus splice site are a relatively common cause of aberrant splicing (PMID: 17576681, 9536098). Algorithms developed to predict the effect of sequence changes on RNA splicing suggest that this variant is not likely to affect RNA splicing, but this prediction has not been confirmed by published transcriptional studies. In summary, the available evidence is currently insufficient to determine the role of this variant in disease. Therefore, it has been classified as a Variant of Uncertain Significance.

Literature cited by the submitters: PubMed 17576681; PubMed 9536098.